The following is an entry in ClinVar:

ClinVar aggregate classification (germline): Likely benign. Review status: criteria provided, multiple submitters, no conflicts (2 of 4 stars). 3 submissions from 3 submitters: Likely benign (3). Last evaluated 2025-10-21.

Conditions:
DNA ligase IV deficiency. Identifiers: Orphanet 99812, MedGen C1847827, MONDO:0011686, OMIM 606593.

Allele frequency attached by ClinVar (database versions not stated): gnomAD 0.00003; TOPMed 0.00005; ExAC 0.00007; ESP Exome Variant Server 0.00008; 1000 Genomes Project 0.00020; 1000 Genomes Project 30x 0.00031.
gnomAD v4.1: 36 of 1,614,146 alleles (0.0022%); highest among the groups gnomAD compares: East Asian, 0.022%; no homozygotes.

Submissions (3):

Labcorp Genetics (formerly Invitae), Labcorp
Classification: Likely benign for DNA ligase IV deficiency. Last evaluated: 2025-10-21. Review status: criteria provided, single submitter. Criteria: Invitae Variant Classification Sherloc (09022015). Collection method: clinical testing. Allele origin: germline.

Blueprint Genetics
Classification: Likely benign. Last evaluated: 2024-07-30. Review status: criteria provided, single submitter. Criteria: ACMG Guidelines, 2015. Collection method: clinical testing. Allele origin: germline.

CeGaT Center for Human Genetics Tuebingen
Classification: Likely benign. Last evaluated: 2023-12-01. Review status: criteria provided, single submitter. Criteria: CeGaT Center For Human Genetics Tuebingen Variant Classification Criteria Version 2. Collection method: clinical testing. Allele origin: germline. Affected: yes. Observed: 1 variant allele.
Comment: LIG4: BP4, BP7

NM_206937.2(LIG4):c.2091G>A (p.Thr697=)

Gene: LIG4 (DNA ligase 4; minus strand). Cytogenetic location: 13q33.3.
Variant type: single nucleotide variant.
Coding change: c.2091G>A on transcript NM_206937.2 (MANE Select); coding-DNA position 2091, G replaced by A.
Protein change: p.Thr697=; no amino-acid change (threonine 697 retained).
Molecular consequence: synonymous variant.
Genome position (GRCh38, 1-based): chr13:108,209,178, C>T on the plus strand (G>A on the coding strand, the complement: LIG4 is on the minus strand). VCF-style: chr13-108209178-C-T. GRCh37 (hg19) VCF-style: chr13-108861526-C-T.
Other names: c.2091G>A, p.Thr697= (NM_001098268.2, NM_001352598.2, NM_001352599.2 and 6 more transcripts); c.1890G>A, p.Thr630= (NM_001330595.2); c.2127G>A, p.Thr709= (NM_001352604.2).
Identifiers: ClinVar variation 2201366 (VCV002201366.27), dbSNP rs184527984, ClinGen allele CA7043560.